The following is an entry in ClinVar:

ClinVar aggregate classification (germline): Pathogenic (1 of 4 stars; one submission).

Conditions:
Mitochondrial trifunctional protein deficiency. Identifiers: Orphanet 746, MedGen C1969443, MONDO:0012172.

Submission:

Labcorp Genetics (formerly Invitae), Labcorp
Classification: Pathogenic for Mitochondrial trifunctional protein deficiency. Last evaluated: 2024-12-02. Review status: criteria provided, single submitter. Criteria: Invitae Variant Classification Sherloc (09022015). Collection method: clinical testing. Allele origin: germline.
Comment: This sequence change creates a premature translational stop signal (p.Ala295Cysfs*19) in the HADHB gene. It is expected to result in an absent or disrupted protein product. Loss-of-function variants in HADHB are known to be pathogenic (PMID: 9259266, 12754706). This variant is not present in population databases (gnomAD no frequency). This variant has not been reported in the literature in individuals affected with HADHB-related conditions. ClinVar contains an entry for this variant (Variation ID: 1912480). For these reasons, this variant has been classified as Pathogenic.

Literature cited by the submitters: PubMed 9259266; PubMed 12754706.

NM_000183.3(HADHB):c.882dup (p.Ala295fs)

Gene: HADHB (hydroxyacyl-CoA dehydrogenase trifunctional multienzyme complex subunit beta; plus strand). Cytogenetic location: 2p23.3.
Variant type: Duplication.
Coding change: c.882dup on transcript NM_000183.3 (MANE Select); coding-DNA position 882, one base duplicated (T; older notation c.882dupT).
Protein change: p.Ala295fs; shifts the reading frame from alanine 295.
Molecular consequence: frameshift variant.
Genome position (GRCh38, 1-based): chr2:26,280,064, T duplicated. VCF-style (leftmost placement, unchanged base first): chr2-26280063-C-CT. GRCh37 (hg19) VCF-style: chr2-26502931-C-CT.
Other names: c.837dup, p.Ala280fs (NM_001281512.2); c.816dup, p.Ala273fs (NM_001281513.2); short protein forms A295fs, A273fs, A280fs.
Identifiers: ClinVar variation 1912480 (VCV001912480.5), dbSNP rs1672720927, ClinGen allele CA1239741511.